The following is an entry in ClinVar:

NM_000487.6(ARSA):c.647G>T (p.Arg216Leu)

Gene: ARSA (arylsulfatase A; minus strand). Cytogenetic location: 22q13.33.
Variant type: single nucleotide variant.
Coding change: c.647G>T on transcript NM_000487.6 (MANE Select); coding-DNA position 647, G replaced by T.
Protein change: p.Arg216Leu; replaces arginine 216 with leucine.
Molecular consequence: missense variant.
Genome position (GRCh38, 1-based): chr22:50,626,871, C>A on the plus strand (G>T on the coding strand, the complement: ARSA is on the minus strand). VCF-style: chr22-50626871-C-A. GRCh37 (hg19) VCF-style: chr22-51065299-C-A.
Other names: c.647G>T, p.Arg216Leu (NM_001085425.3, NM_001085426.3, NM_001085427.3); c.389G>T, p.Arg130Leu (NM_001085428.3, NM_001362782.2); short protein forms R130L, R216L.
Identifiers: ClinVar variation 4810211 (VCV004810211.1).

ClinVar aggregate classification (germline): Uncertain significance (1 of 4 stars; one submission).

Conditions:
Metachromatic leukodystrophy (MLD). Also called: Cerebral sclerosis diffuse metachromatic form; Arylsulfatase A Deficiency; ARSA DEFICIENCY; CEREBROSIDE SULFATASE DEFICIENCY; METACHROMATIC LEUKOENCEPHALOPATHY; SULFATIDE LIPIDOSIS. Identifiers: Orphanet 512, MedGen C0023522, MONDO:0018868, OMIM 250100.

Submission:

Labcorp Genetics (formerly Invitae), Labcorp
Classification: Uncertain significance for Metachromatic leukodystrophy. Last evaluated: 2025-11-12. Review status: criteria provided, single submitter. Criteria: Invitae Variant Classification Sherloc (09022015). Collection method: clinical testing. Allele origin: germline.
Comment: This sequence change replaces arginine, which is basic and polar, with leucine, which is neutral and non-polar, at codon 216 of the ARSA protein (p.Arg216Leu). This variant is present in population databases (rs551695586, gnomAD 0.007%). This variant has not been reported in the literature in individuals affected with ARSA-related conditions. Invitae Evidence Modeling of protein sequence and biophysical properties (such as structural, functional, and spatial information, amino acid conservation, physicochemical variation, residue mobility, and thermodynamic stability) has been performed for this missense variant. However, the output from this modeling did not meet the statistical confidence thresholds required to predict the impact of this variant on ARSA protein function. In summary, the available evidence is currently insufficient to determine the role of this variant in disease. Therefore, it has been classified as a Variant of Uncertain Significance.